The following is an entry in ClinVar:

ClinVar aggregate classification (germline): Uncertain significance. Review status: criteria provided, multiple submitters, no conflicts (2 of 4 stars). 6 submissions from 6 submitters: Uncertain significance (6). Last evaluated 2026-06-23.

Conditions:
Familial hemophagocytic lymphohistiocytosis 3 (FHL3). Also called: UNC13D-Related Familial Hemophagocytic Lymphohistiocytosis (UNC13D-fHLH). Identifiers: Orphanet 540, MedGen C1837174, MONDO:0012146, OMIM 608898.
Autoinflammatory syndrome. Identifiers: Orphanet 93665, MedGen C3890737, MONDO:0019751.

Allele frequency attached by ClinVar (database versions not stated): ESP Exome Variant Server 0.00015; gnomAD exomes 0.00018 and 0.00021; gnomAD 0.00019 and 0.00021; TOPMed 0.00019; ExAC 0.00020.
gnomAD v4.1: 338 of 1,609,410 alleles (0.021%); highest among the groups gnomAD compares: Non-Finnish European, 0.026%; no homozygotes.

Submissions (6):

Women's Health and Genetics/Laboratory Corporation of America, LabCorp
Classification: Uncertain significance. Last evaluated: 2026-06-23. Review status: criteria provided, single submitter. Criteria: LabCorp Variant Classification Summary - May 2015. Collection method: clinical testing. Allele origin: germline.
Comment: Variant summary: UNC13D c.1759C>T (p.Arg587Cys) results in a non-conservative amino acid change located in the MHD1 (Munc13 homology 1) domain (IPR014770) of the encoded protein sequence. Algorithms developed to predict the effect of missense changes on protein structure and function are either unavailable or do not agree on the potential impact of this missense change. The variant allele was found at a frequency of 0.00018 in 238542 control chromosomes. This frequency is not significantly higher than estimated for disease-causing variants in UNC13D, allowing no conclusion about variant significance. c.1759C>T has been reported in the literature as a non-informative heterozygous (second allele not specified) genotype in individuals undergoing workup for suspected inherited bleeding disorders/suspected Familial Hemophagocytic Lymphohistiocytosis (HLH) (e.g. Fager Ferrari_2018, Gadoury-Levesque_2020, Leinoe_2017). These report(s) do not provide unequivocal conclusions about association of the variant with disease. To our knowledge, no experimental evidence demonstrating an impact on protein function has been reported. The following publications have been ascertained in the context of this evaluation (PMID: 28748566, 28399723, 32542393). ClinVar contains an entry for this variant (Variation ID: 325260). Based on the evidence outlined above, the variant was classified as uncertain significance.

Labcorp Genetics (formerly Invitae), Labcorp
Classification: Uncertain significance for Familial hemophagocytic lymphohistiocytosis 3. Last evaluated: 2026-01-15. Review status: criteria provided, single submitter. Criteria: Invitae Variant Classification Sherloc (09022015). Collection method: clinical testing. Allele origin: germline.
Comment: This sequence change replaces arginine, which is basic and polar, with cysteine, which is neutral and slightly polar, at codon 587 of the UNC13D protein (p.Arg587Cys). This variant is present in population databases (rs148574729, gnomAD 0.03%). This missense change has been observed in individual(s) with UNC13D-related conditions (PMID: 28399723, 28748566, 32542393). ClinVar contains an entry for this variant (Variation ID: 325260). Invitae Evidence Modeling of protein sequence and biophysical properties (such as structural, functional, and spatial information, amino acid conservation, physicochemical variation, residue mobility, and thermodynamic stability) indicates that this missense variant is not expected to disrupt UNC13D protein function with a negative predictive value of 80%. Algorithms developed to predict the effect of sequence changes on RNA splicing suggest that this variant may create or strengthen a splice site. In summary, the available evidence is currently insufficient to determine the role of this variant in disease. Therefore, it has been classified as a Variant of Uncertain Significance.

Blueprint Genetics
Classification: Uncertain significance. Last evaluated: 2024-09-06. Review status: criteria provided, single submitter. Criteria: ACMG Guidelines, 2015. Collection method: clinical testing. Allele origin: germline.

GeneDx
Classification: Uncertain significance. Last evaluated: 2022-04-09. Review status: criteria provided, single submitter. Criteria: GeneDx Variant Classification Process June 2021. Collection method: clinical testing. Allele origin: germline. Affected: yes.
Comment: Identified in the heterozygous state in a patient with suspected bleeding disorder and in a patient with suspected HLH in published literature (Fager Ferrari et al., 2018; Gadoury-Levesque et al., 2020); In silico analysis supports that this missense variant has a deleterious effect on protein structure/function; This variant is associated with the following publications: (PMID: 34426522, 32542393, 28399723)

Genome Diagnostics Laboratory, The Hospital for Sick Children
Classification: Uncertain significance for Autoinflammatory syndrome. Last evaluated: 2021-03-25. Review status: criteria provided, single submitter. Criteria: ACMG Guidelines, 2015. Collection method: clinical testing. Allele origin: germline. Affected: yes.

Illumina Laboratory Services, Illumina
Classification: Uncertain significance for Familial hemophagocytic lymphohistiocytosis 3. Last evaluated: 2018-01-12. Review status: criteria provided, single submitter. Criteria: ICSL Variant Classification Criteria 13 December 2019. Collection method: clinical testing. Allele origin: germline.

Literature cited by the submitters: PubMed 28748566 (cited by Women's Health and Genetics/Laboratory Corporation of America, LabCorp and Labcorp Genetics (formerly Invitae), Labcorp); PubMed 28399723 (cited by Women's Health and Genetics/Laboratory Corporation of America, LabCorp and Labcorp Genetics (formerly Invitae), Labcorp); PubMed 32542393 (cited by Women's Health and Genetics/Laboratory Corporation of America, LabCorp and Labcorp Genetics (formerly Invitae), Labcorp).

NM_199242.3(UNC13D):c.1759C>T (p.Arg587Cys)

Gene: UNC13D (unc-13 homolog D; minus strand). Cytogenetic location: 17q25.1.
Variant type: single nucleotide variant.
Coding change: c.1759C>T on transcript NM_199242.3 (MANE Select); coding-DNA position 1759, C replaced by T.
Protein change: p.Arg587Cys; replaces arginine 587 with cysteine.
Molecular consequence: missense variant.
Genome position (GRCh38, 1-based): chr17:75,835,498, G>A on the plus strand (C>T on the coding strand, the complement: UNC13D is on the minus strand). VCF-style: chr17-75835498-G-A. GRCh37 (hg19) VCF-style: chr17-73831579-G-A.
Other names: short protein forms R587C.
Identifiers: ClinVar variation 325260 (VCV000325260.20), dbSNP rs148574729, ClinGen allele CA8772818.